The following is an entry in ClinVar:

ClinVar aggregate classification (germline): Pathogenic (0 of 4 stars; one submission).

Conditions:
Abnormal biliary tract morphology. Identifiers: MedGen C4021086, HP:0012440.
Asplenia. Identifiers: MedGen C5779621, HP:0001746.
Duodenal atresia. Also called: Duodenal atresia (disease). Identifiers: Orphanet 1203, MedGen C0266174, MONDO:0009126, OMIM 223400, HP:0002247.
Reduced number of intrahepatic bile ducts. Identifiers: MedGen C4021591, HP:0006571.

Submission:

Lupski Lab, Baylor-Hopkins CMG, Baylor College of Medicine
Classification: Pathogenic for Abnormal biliary tract morphology; Duodenal atresia; Asplenia; Reduced number of intrahepatic bile ducts. Review status: no assertion criteria provided. Collection method: research. Allele origin: de novo. Inheritance: Autosomal dominant inheritance. Affected: yes.

NM_004963.4(GUCY2C):c.410T>C (p.Leu137Ser)

Genes: GUCY2C (guanylate cyclase 2C; minus strand), GUCY2C-AS1 (GUCY2C antisense RNA 1; plus strand). Cytogenetic location: 12p12.3.
Variant type: single nucleotide variant.
Coding change: c.410T>C on transcript NM_004963.4 (MANE Select); coding-DNA position 410, T replaced by C.
Protein change: p.Leu137Ser; replaces leucine 137 with serine.
Molecular consequence: missense variant.
Genome position (GRCh38, 1-based): chr12:14,683,243, A>G on the plus strand (T>C on the coding strand, the complement: GUCY2C is on the minus strand). VCF-style: chr12-14683243-A-G. GRCh37 (hg19) VCF-style: chr12-14836177-A-G.
Other names: short protein forms L137S.
Identifiers: ClinVar variation 375380 (VCV000375380.1), dbSNP rs1057519441, ClinGen allele CA16044230.
Genomic context (GRCh38, chr12:14,683,243, plus strand): 5'-AAGGTTTCTTTATAGTCACATGACAATCCAAAACTTCCAGCTGAGATCATGGGGTAGCTC[A>G]ATTCTGTGTCAAGGCTATGTCAAGAGGTTGAGGAAAAAAGCCATTATCAGTATTAACTTA-3'
Protein context (NP_004954.2, residues 127-147): STFQMYLDTE[Leu137Ser]SYPMISAGSF